The following is an entry in ClinVar:

NM_020937.4(FANCM):c.389G>T (p.Arg130Leu)

Gene: FANCM (FA complementation group M; plus strand). Cytogenetic location: 14q21.2.
Variant type: single nucleotide variant.
Coding change: c.389G>T on transcript NM_020937.4 (MANE Select); coding-DNA position 389, G replaced by T.
Protein change: p.Arg130Leu; replaces arginine 130 with leucine.
Molecular consequence: missense variant.
Genome position (GRCh38, 1-based): chr14:45,136,420, G>T. VCF-style: chr14-45136420-G-T. GRCh37 (hg19) VCF-style: chr14-45605623-G-T.
Other names: c.389G>T, p.Arg130Leu (NM_001308133.2, NM_001308134.2); short protein forms R130L.
Identifiers: ClinVar variation 2888531 (VCV002888531.5), dbSNP rs751804045, ClinGen allele CA389588069.
Genomic context (GRCh38, chr14:45,136,420, plus strand): 5'-GTCTGCCTACCGGACTGGGAAAGACCTTTATTGCCGCCGTGGTCATGTACAATTTCTACC[G>T]CTGGTTCCCTTCAGGAAAGGTGGTCTTCATGGCCCCAACGAAACCCTTGGTGACACAGCA-3'
Protein context (NP_065988.1, residues 120-140): IAAVVMYNFY[Arg130Leu]WFPSGKVVFM

ClinVar aggregate classification (germline): Uncertain significance. Review status: criteria provided, multiple submitters, no conflicts (2 of 4 stars). 3 submissions from 3 submitters: Uncertain significance (3). Last evaluated 2025-10-03.

Conditions:
Inborn genetic diseases. Identifiers: MedGen C0950123, MeSH D030342.
Fanconi anemia (FA). Also called: Fanconi's anemia. Identifiers: Orphanet 84, MedGen C0015625, MeSH D005199, MONDO:0019391.

gnomAD v4.1: 9 of 1,614,018 alleles (0.00056%); highest among the groups gnomAD compares: Non-Finnish European, 0.00076%; no homozygotes.

Submissions (3):

Ambry Genetics
Classification: Uncertain significance for Inborn genetic diseases. Last evaluated: 2025-10-03. Review status: criteria provided, single submitter. Criteria: Ambry Variant Classification Scheme 2023. Collection method: clinical testing. Allele origin: germline.
Comment: The p.R130L variant (also known as c.389G>T), located in coding exon 1 of the FANCM gene, results from a G to T substitution at nucleotide position 389. The arginine at codon 130 is replaced by leucine, an amino acid with dissimilar properties. This amino acid position is conserved. In addition, the in silico prediction for this alteration is inconclusive. Based on the available evidence, the clinical significance of this variant remains unclear.

GeneDx
Classification: Uncertain significance. Last evaluated: 2024-09-12. Review status: criteria provided, single submitter. Criteria: GeneDx Variant Classification Process June 2021. Collection method: clinical testing. Allele origin: germline. Affected: yes.
Comment: Not observed at significant frequency in large population cohorts (gnomAD); In silico analysis supports that this missense variant has a deleterious effect on protein structure/function; Has not been previously published as pathogenic or benign to our knowledge

Labcorp Genetics (formerly Invitae), Labcorp
Classification: Uncertain significance for Fanconi anemia. Last evaluated: 2023-03-31. Review status: criteria provided, single submitter. Criteria: Invitae Variant Classification Sherloc (09022015). Collection method: clinical testing. Allele origin: germline.
Comment: In summary, the available evidence is currently insufficient to determine the role of this variant in disease. Therefore, it has been classified as a Variant of Uncertain Significance. An algorithm developed to predict the effect of missense changes on protein structure and function (PolyPhen-2) suggests that this variant is likely to be disruptive. This variant has not been reported in the literature in individuals affected with FANCM-related conditions. This variant is present in population databases (no rsID available, gnomAD 0.007%). This sequence change replaces arginine, which is basic and polar, with leucine, which is neutral and non-polar, at codon 130 of the FANCM protein (p.Arg130Leu).